The following is an entry in ClinVar:

NM_001164508.2(NEB):c.16901T>C (p.Ile5634Thr)

Gene: NEB (nebulin; minus strand). Cytogenetic location: 2q23.3.
Variant type: single nucleotide variant.
Coding change: c.16901T>C on transcript NM_001164508.2 (MANE Select); coding-DNA position 16901, T replaced by C.
Protein change: p.Ile5634Thr; replaces isoleucine 5634 with threonine.
Molecular consequence: missense variant.
Genome position (GRCh38, 1-based): chr2:151,576,158, A>G on the plus strand (T>C on the coding strand, the complement: NEB is on the minus strand). VCF-style: chr2-151576158-A-G. GRCh37 (hg19) VCF-style: chr2-152432672-A-G.
Other names: c.16901T>C, p.Ile5634Thr (NM_001164507.2, NM_001271208.2); c.11798T>C, p.Ile3933Thr (NM_004543.5); short protein forms I5634T, I3933T.
Identifiers: ClinVar variation 2151066 (VCV002151066.11), dbSNP rs545889830, ClinGen allele CA1908357.

ClinVar aggregate classification (germline): Conflicting classifications of pathogenicity. Review status: criteria provided, conflicting classifications (1 of 4 stars). 2 submissions from 2 submitters: Uncertain significance (1); Likely benign (1). Last evaluated 2025-03-01.

Conditions:
Nemaline myopathy 2 (NEM2). Also called: Nemaline myopathy 2, autosomal recessive. Identifiers: MedGen C1850569, MONDO:0009725, OMIM 256030.

Allele frequency attached by ClinVar (database versions not stated): gnomAD exomes below 0.00001; TOPMed 0.00001; ExAC 0.00003; gnomAD 0.00003; 1000 Genomes Project 30x 0.00031; 1000 Genomes Project 0.00040.
gnomAD v4.1: 9 of 1,596,260 alleles (0.00056%); highest among the groups gnomAD compares: East Asian, 0.018%; no homozygotes.

Submissions (2):

CeGaT Center for Human Genetics Tuebingen
Classification: Uncertain significance. Last evaluated: 2025-03-01. Review status: criteria provided, single submitter. Criteria: CeGaT Center For Human Genetics Tuebingen Variant Classification Criteria Version 2. Collection method: clinical testing. Allele origin: germline. Affected: yes. Observed: 1 variant allele.
Comment: NEB: PM2

Labcorp Genetics (formerly Invitae), Labcorp
Classification: Likely benign for Nemaline myopathy 2. Last evaluated: 2024-03-11. Review status: criteria provided, single submitter. Criteria: Invitae Variant Classification Sherloc (09022015). Collection method: clinical testing. Allele origin: germline.